The following is an entry in ClinVar:

NM_006767.3(LZTR1):c.-299G>A

Gene: LZTR1 (leucine zipper like post translational regulator 1; plus strand). Cytogenetic location: 22q11.21.
Variant type: single nucleotide variant.
Coding change: c.-299G>A on transcript NM_006767.3; 299 bases upstream of the start codon, G replaced by A.
Genome position (GRCh38, 1-based): chr22:20,982,073, G>A. VCF-style: chr22-20982073-G-A. GRCh37 (hg19) VCF-style: chr22-21336362-G-A.
Identifiers: ClinVar variation 561839 (VCV000561839.4), dbSNP rs16988950, ClinGen allele CA14987763.
Genomic context (GRCh38, chr22:20,982,073, plus strand): 5'-GGCCGCGGGTCTTCGGGCTGCGTGGGCCTGGGAGGCGCCGGGAAGAGCAGTCGCGACGGG[G>A]CTAGGGACGACACACTGCATTCACTGGAAGGGACAACGCAGCGCCAGTACATAGCCTGAA-3'

ClinVar aggregate classification (germline): Benign. Review status: criteria provided, multiple submitters, no conflicts (2 of 4 stars). 2 submissions from 2 submitters: Benign (2). Last evaluated 2018-06-18.

Allele frequency attached by ClinVar (database versions not stated): gnomAD 0.14110 and 0.14793; TOPMed 0.15246; 1000 Genomes Project 30x 0.15287; gnomAD exomes 0.05600; 1000 Genomes Project 0.14597.

Submissions (2):

GeneDx
Classification: Benign. Last evaluated: 2018-06-18. Review status: criteria provided, single submitter. Criteria: GeneDx Variant Classification (06012015). Collection method: clinical testing. Allele origin: germline. Affected: yes.
Comment: This variant is considered likely benign or benign based on one or more of the following criteria: it is a conservative change, it occurs at a poorly conserved position in the protein, it is predicted to be benign by multiple in silico algorithms, and/or has population frequency not consistent with disease.

Breakthrough Genomics
Classification: Benign. Review status: criteria provided, single submitter. Criteria: ACMG Guidelines, 2015. Collection method: not provided. Allele origin: germline. Inheritance: Autosomal recessive inheritance. Affected: yes.